The following is an entry in ClinVar:

ClinVar aggregate classification (germline): Uncertain significance (1 of 4 stars; one submission).

Conditions:
Hereditary cancer-predisposing syndrome. Also called: Neoplastic Syndromes, Hereditary; Tumor predisposition; Hereditary neoplastic syndrome; Hereditary Cancer Syndrome. Identifiers: Orphanet 140162, MedGen C0027672, MeSH D009386, MONDO:0015356.

Submission:

Ambry Genetics
Classification: Uncertain significance for Hereditary cancer-predisposing syndrome. Last evaluated: 2026-06-19. Review status: criteria provided, single submitter. Criteria: Ambry Variant Classification Scheme 2023. Collection method: clinical testing. Allele origin: germline.
Comment: The p.L423P variant (also known as c.1268T>C), located in coding exon 4 of the MSH6 gene, results from a T to C substitution at nucleotide position 1268. The leucine at codon 423 is replaced by proline, an amino acid with similar properties. This amino acid position is conserved. In addition, this alteration is predicted to be deleterious by in silico analysis. Based on the available evidence, the clinical significance of this variant remains unclear.

NM_000179.3(MSH6):c.1268T>C (p.Leu423Pro)

Gene: MSH6 (mutS homolog 6; plus strand). Cytogenetic location: 2p16.3.
Variant type: single nucleotide variant.
Coding change: c.1268T>C on transcript NM_000179.3 (MANE Select); coding-DNA position 1268, T replaced by C.
Protein change: p.Leu423Pro; replaces leucine 423 with proline.
Molecular consequence: missense variant. On other transcripts: non-coding transcript variant (4), intron variant (1).
Genome position (GRCh38, 1-based): chr2:47,799,251, T>C. VCF-style: chr2-47799251-T-C. GRCh37 (hg19) VCF-style: chr2-48026390-T-C.
Other names: c.362T>C, p.Leu121Pro (NM_001406815.1, NM_001406816.1, NM_001406823.1 and 6 more transcripts); c.1268T>C, p.Leu423Pro (NM_001406817.1, NM_001406796.1, NM_001406798.1 and 4 more transcripts); c.971T>C, p.Leu324Pro (NM_001406818.1, NM_001406819.1, NM_001406820.1 and 10 more transcripts); c.878T>C, p.Leu293Pro (NM_001281492.2); c.1364T>C, p.Leu455Pro (NM_001406795.1, NM_001406802.1); c.743T>C, p.Leu248Pro (NM_001406799.1, NM_001406806.1, NM_001406807.1); c.1190T>C, p.Leu397Pro (NM_001406804.1); c.1274T>C, p.Leu425Pro (NM_001406813.1); and 2 more; short protein forms L248P, L367P, L397P, L423P, L121P, L324P, L293P, L425P.
Identifiers: ClinVar variation 5024867 (VCV005024867.1).